The following is an entry in ClinVar:

ClinVar aggregate classification (germline): Uncertain significance (1 of 4 stars; one submission).

gnomAD v4.1: 6 of 1,613,534 alleles (0.00037%); highest among the groups gnomAD compares: Non-Finnish European, 0.00051%; no homozygotes.

Submission:

Labcorp Genetics (formerly Invitae), Labcorp
Classification: Uncertain significance. Last evaluated: 2024-10-08. Review status: criteria provided, single submitter. Criteria: Invitae Variant Classification Sherloc (09022015). Collection method: clinical testing. Allele origin: germline.
Comment: This sequence change replaces glutamic acid, which is acidic and polar, with valine, which is neutral and non-polar, at codon 14 of the IFT57 protein (p.Glu14Val). This variant is present in population databases (rs754063023, gnomAD 0.002%). This variant has not been reported in the literature in individuals affected with IFT57-related conditions. An algorithm developed to predict the effect of missense changes on protein structure and function (PolyPhen-2) suggests that this variant is likely to be tolerated. In summary, the available evidence is currently insufficient to determine the role of this variant in disease. Therefore, it has been classified as a Variant of Uncertain Significance.

NM_018010.4(IFT57):c.41A>T (p.Glu14Val)

Gene: IFT57 (intraflagellar transport 57; minus strand). Cytogenetic location: 3q13.13.
Variant type: single nucleotide variant.
Coding change: c.41A>T on transcript NM_018010.4 (MANE Select); coding-DNA position 41, A replaced by T.
Protein change: p.Glu14Val; replaces glutamic acid 14 with valine.
Molecular consequence: missense variant.
Genome position (GRCh38, 1-based): chr3:108,222,282, T>A on the plus strand (A>T on the coding strand, the complement: IFT57 is on the minus strand). VCF-style: chr3-108222282-T-A. GRCh37 (hg19) VCF-style: chr3-107941129-T-A.
Other names: short protein forms E14V.
Identifiers: ClinVar variation 3619536 (VCV003619536.2).
Genomic context (GRCh38, chr3:108,222,282, plus strand): 5'-GGCCCCCGCTCCAAGACCACTTCCCCGGTCCCTTCGCCACGGGACCTAGGCACCCCATCT[T>A]CCAAACCCGACGTCGTGACGACGGCCAGAGCAGCAGTCATCGCAGAACGGACAGAGTCCA-3'
Protein context (NP_060480.1, residues 4-24): ALAVVTTSGL[Glu14Val]DGVPRSRGEG